The following is an entry in ClinVar:

ClinVar aggregate classification (germline): Uncertain significance (1 of 4 stars; one submission).

Submission:

GeneDx
Classification: Uncertain significance. Last evaluated: 2025-01-05. Review status: criteria provided, single submitter. Criteria: GeneDx Variant Classification Process June 2021. Collection method: clinical testing. Allele origin: germline. Affected: yes.
Comment: Not observed at significant frequency in large population cohorts (gnomAD); In silico analysis supports that this missense variant has a deleterious effect on protein structure/function; Has not been previously published as pathogenic or benign to our knowledge

NM_172362.3(KCNH1):c.712A>G (p.Asn238Asp)

Gene: KCNH1 (potassium voltage-gated channel subfamily H member 1; minus strand). Cytogenetic location: 1q32.2.
Variant type: single nucleotide variant.
Coding change: c.712A>G on transcript NM_172362.3 (MANE Select); coding-DNA position 712, A replaced by G.
Protein change: p.Asn238Asp; replaces asparagine 238 with aspartic acid.
Molecular consequence: missense variant.
Genome position (GRCh38, 1-based): chr1:211,019,103, T>C on the plus strand (A>G on the coding strand, the complement: KCNH1 is on the minus strand). VCF-style: chr1-211019103-T-C. GRCh37 (hg19) VCF-style: chr1-211192445-T-C.
Other names: c.712A>G, p.Asn238Asp (NM_002238.4); short protein forms N238D.
Identifiers: ClinVar variation 4056025 (VCV004056025.1).
Genomic context (GRCh38, chr1:211,019,103, plus strand): 5'-CCACGATGCTATCAACAACCAGCCAGGCCACATTATTCTGCCTGGTTTTGAAGGAGACAT[T>C]ATAAGGGACCAAGATGGCTGTATAGAAGGTCAAGATCAAGATGATCCAATCCCACGTGGT-3'
Protein context (NP_758872.1, residues 228-248): TFYTAILVPY[Asn238Asp]VSFKTRQNNV